The following is an entry in ClinVar:

ClinVar aggregate classification (germline): Uncertain significance (1 of 4 stars; one submission).

Conditions:
Dilated cardiomyopathy 1O (CMD1O). Also called: CARDIOMYOPATHY, DILATED, WITH VENTRICULAR TACHYCARDIA. Identifiers: Orphanet 154, MedGen C1837839, MONDO:0012062, OMIM 608569.

Allele frequency attached by ClinVar (database versions not stated): gnomAD exomes below 0.00001; TOPMed below 0.00001; gnomAD 0.00001.
gnomAD v4.1: 7 of 1,613,706 alleles (0.00043%); highest among the groups gnomAD compares: Non-Finnish European, 0.00059%; no homozygotes.

Submission:

Labcorp Genetics (formerly Invitae), Labcorp
Classification: Uncertain significance for Dilated cardiomyopathy 1O. Last evaluated: 2023-06-04. Review status: criteria provided, single submitter. Criteria: Invitae Variant Classification Sherloc (09022015). Collection method: clinical testing. Allele origin: germline.
Comment: In summary, the available evidence is currently insufficient to determine the role of this variant in disease. Therefore, it has been classified as a Variant of Uncertain Significance. Advanced modeling of protein sequence and biophysical properties (such as structural, functional, and spatial information, amino acid conservation, physicochemical variation, residue mobility, and thermodynamic stability) performed at Invitae indicates that this missense variant is not expected to disrupt ABCC9 protein function. This variant has not been reported in the literature in individuals affected with ABCC9-related conditions. This variant is not present in population databases (gnomAD no frequency). This sequence change replaces valine, which is neutral and non-polar, with alanine, which is neutral and non-polar, at codon 904 of the ABCC9 protein (p.Val904Ala).

NM_020297.4(ABCC9):c.2711T>C (p.Val904Ala)

Gene: ABCC9 (ATP binding cassette subfamily C member 9; minus strand). Cytogenetic location: 12p12.1.
Variant type: single nucleotide variant.
Coding change: c.2711T>C on transcript NM_020297.4 (MANE Select); coding-DNA position 2711, T replaced by C.
Protein change: p.Val904Ala; replaces valine 904 with alanine.
Molecular consequence: missense variant.
Genome position (GRCh38, 1-based): chr12:21,852,155, A>G on the plus strand (T>C on the coding strand, the complement: ABCC9 is on the minus strand). VCF-style: chr12-21852155-A-G. GRCh37 (hg19) VCF-style: chr12-22005089-A-G.
Other names: c.2711T>C, p.Val904Ala (NM_001377273.1, NM_005691.4); c.1844T>C, p.Val615Ala (NM_001377274.1); short protein forms V615A, V904A.
Identifiers: ClinVar variation 2917815 (VCV002917815.2), dbSNP rs1945001931, ClinGen allele CA384123787.
Genomic context (GRCh38, chr12:21,852,155, plus strand): 5'-ACCTTTTCTAATTCTTGATCTTGCCGATTCATAAGTGTTTTCCAGTGTTCATAAAGCTCA[A>G]CATCTTTGGTTTGAATGTCCTTCAAAGTTCCTTCTCTTAGGACACTTCCATCTTTCATGG-3'
Protein context (NP_064693.2, residues 894-914): GTLKDIQTKD[Val904Ala]ELYEHWKTLM